The following is an entry in ClinVar:

ClinVar aggregate classification (germline): Uncertain significance (1 of 4 stars; one submission).

Submission:

Ambry Genetics
Classification: Uncertain significance. Last evaluated: 2025-01-18. Review status: criteria provided, single submitter. Criteria: Ambry Variant Classification Scheme 2023. Collection method: clinical testing. Allele origin: germline.
Comment: The p.T572A variant (also known as c.1714A>G), located in coding exon 13 of the GEN1 gene, results from an A to G substitution at nucleotide position 1714. The threonine at codon 572 is replaced by alanine, an amino acid with similar properties. This amino acid position is conserved. In addition, this alteration is predicted to be tolerated by in silico analysis. Based on the available evidence, the clinical significance of this variant remains unclear.

NM_001130009.3(GEN1):c.1714A>G (p.Thr572Ala)

Gene: GEN1 (GEN1 Holliday junction 5' flap endonuclease; plus strand). Cytogenetic location: 2p24.2.
Variant type: single nucleotide variant.
Coding change: c.1714A>G on transcript NM_001130009.3 (MANE Select); coding-DNA position 1714, A replaced by G.
Protein change: p.Thr572Ala; replaces threonine 572 with alanine.
Molecular consequence: missense variant.
Genome position (GRCh38, 1-based): chr2:17,780,926, A>G. VCF-style: chr2-17780926-A-G. GRCh37 (hg19) VCF-style: chr2-17962193-A-G.
Other names: c.1714A>G, p.Thr572Ala (NM_182625.5); short protein forms T572A.
Identifiers: ClinVar variation 3853517 (VCV003853517.1).